The following is an entry in ClinVar:

NM_001211.6(BUB1B):c.3047C>A (p.Ala1016Glu)

Genes: BUB1B (BUB1 mitotic checkpoint serine/threonine kinase B; plus strand), BUB1B-PAK6 (BUB1B-PAK6 readthrough; plus strand). Cytogenetic location: 15q15.1.
Variant type: single nucleotide variant.
Coding change: c.3047C>A on transcript NM_001211.6 (MANE Select); coding-DNA position 3047, C replaced by A.
Protein change: p.Ala1016Glu; replaces alanine 1016 with glutamic acid.
Molecular consequence: missense variant. On other transcripts: intron variant (2).
Genome position (GRCh38, 1-based): chr15:40,220,653, C>A. VCF-style: chr15-40220653-C-A. GRCh37 (hg19) VCF-style: chr15-40512854-C-A.
Other names: c.-201+2986C>A (NM_001128628.3); c.-118+2986C>A (NM_001128629.3); short protein forms A1016E.
Identifiers: ClinVar variation 3262256 (VCV003262256.1).
Genomic context (GRCh38, chr15:40,220,653, plus strand): 5'-TCTTTGTGCGGATTCTGAATGCCAATGATGAGGCCACAGTGTCTGTTCTTGGGGAGCTTG[C>A]AGCAGAAATGAATGGGGTTTTTGACACTACATTCCAAAGTCACCTGAACAAAGCCTTATG-3'
Protein context (NP_001202.5, residues 1006-1026): EATVSVLGEL[Ala1016Glu]AEMNGVFDTT

ClinVar aggregate classification (germline): Uncertain significance (1 of 4 stars; one submission).

Conditions:
Inborn genetic diseases. Identifiers: MedGen C0950123, MeSH D030342.

Submission:

Ambry Genetics
Classification: Uncertain significance for Inborn genetic diseases. Last evaluated: 2024-05-11. Review status: criteria provided, single submitter. Criteria: Ambry Variant Classification Scheme 2023. Collection method: clinical testing. Allele origin: germline.
Comment: The p.A1016E variant (also known as c.3047C>A), located in coding exon 23 of the BUB1B gene, results from a C to A substitution at nucleotide position 3047. The alanine at codon 1016 is replaced by glutamic acid, an amino acid with dissimilar properties. This amino acid position is conserved. In addition, this alteration is predicted to be tolerated by in silico analysis. Based on the available evidence, the clinical significance of this variant remains unclear.